The following is an entry in ClinVar:

ClinVar aggregate classification (germline): Benign. Review status: criteria provided, multiple submitters, no conflicts (2 of 4 stars). 2 submissions from 2 submitters: Benign (2). Last evaluated 2026-01-19.

Conditions:
ERBB3-related disorder. Also called: ERBB3-related condition.

Allele frequency attached by ClinVar (database versions not stated): gnomAD exomes 0.00063 and 0.00144; ExAC 0.00183; gnomAD 0.00578 and 0.00630; 1000 Genomes Project 0.00599; ESP Exome Variant Server 0.00615; 1000 Genomes Project 30x 0.00640; TOPMed 0.00671.
gnomAD v4.1: 1,802 of 1,613,872 alleles (0.11%); highest among the groups gnomAD compares: African/African-American, 2.2%; 20 homozygotes.

Submissions (2):

Labcorp Genetics (formerly Invitae), Labcorp
Classification: Benign. Last evaluated: 2026-01-19. Review status: criteria provided, single submitter. Criteria: Invitae Variant Classification Sherloc (09022015). Collection method: clinical testing. Allele origin: germline.

PreventionGenetics, part of Exact Sciences
Classification: Benign for ERBB3-related condition. Last evaluated: 2025-01-29. Review status: criteria provided, single submitter. Criteria: ACMG Guidelines, 2015. Collection method: clinical testing. Allele origin: germline.
Comment: This variant is classified as benign based on ACMG/AMP sequence variant interpretation guidelines (Richards et al. 2015 PMID: 25741868, with internal and published modifications).

NM_001982.4(ERBB3):c.422-7A>T

Gene: ERBB3 (erb-b2 receptor tyrosine kinase 3; plus strand). Cytogenetic location: 12q13.2.
Variant type: single nucleotide variant.
Coding change: c.422-7A>T on transcript NM_001982.4 (MANE Select); 7 bases into the intron before coding-DNA position 422, A replaced by T.
Molecular consequence: intron variant.
Genome position (GRCh38, 1-based): chr12:56,086,524, A>T. VCF-style: chr12-56086524-A-T. GRCh37 (hg19) VCF-style: chr12-56480308-A-T.
Identifiers: ClinVar variation 781078 (VCV000781078.6), dbSNP rs115311663, ClinGen allele CA6621964.